The following is an entry in ClinVar:

NC_000016.10:g.67660357T>G

Genes: ACD (ACD shelterin complex subunit and telomerase recruitment factor; minus strand), LOC130059224 (ATAC-STARR-seq lymphoblastoid silent region 7617; plus strand). Cytogenetic location: 16q22.1.
Variant type: single nucleotide variant.
Genome position: GRCh38 VCF-style: chr16-67660357-T-G. GRCh37 (hg19) VCF-style: chr16-67694260-T-G.
Other names: short protein forms Q41P.
Identifiers: ClinVar variation 970916 (VCV000970916.10), dbSNP rs755584473, ClinGen allele CA8114902.

ClinVar aggregate classification (germline): Uncertain significance. Review status: criteria provided, multiple submitters, no conflicts (2 of 4 stars). 2 submissions from 2 submitters: Uncertain significance (2). Last evaluated 2025-11-23.

Conditions:
Dyskeratosis congenita, autosomal dominant 6 (DKCA6). Identifiers: Orphanet 3322, MedGen C4225284, MONDO:0014690, OMIM 616553.
Inborn genetic diseases. Identifiers: MedGen C0950123, MeSH D030342.

Allele frequency attached by ClinVar (database versions not stated): ExAC 0.00001; gnomAD 0.00001; TOPMed 0.00001; gnomAD exomes 0.00002.

Submissions (2):

Labcorp Genetics (formerly Invitae), Labcorp
Classification: Uncertain significance for Dyskeratosis congenita, autosomal dominant 6. Last evaluated: 2025-11-23. Review status: criteria provided, single submitter. Criteria: Invitae Variant Classification Sherloc (09022015). Collection method: clinical testing. Allele origin: germline.
Comment: This sequence change replaces glutamine, which is neutral and polar, with proline, which is neutral and non-polar, at codon 41 of the ACD protein (p.Gln41Pro). This variant is present in population databases (rs755584473, gnomAD 0.004%). This variant has not been reported in the literature in individuals affected with ACD-related conditions. ClinVar contains an entry for this variant (Variation ID: 970916). An algorithm developed to predict the effect of missense changes on protein structure and function (PolyPhen-2) suggests that this variant is likely to be tolerated. In summary, the available evidence is currently insufficient to determine the role of this variant in disease. Therefore, it has been classified as a Variant of Uncertain Significance.

Ambry Genetics
Classification: Uncertain significance for Inborn genetic diseases. Last evaluated: 2021-08-24. Review status: criteria provided, single submitter. Criteria: Ambry Variant Classification Scheme 2023. Collection method: clinical testing. Allele origin: germline.
Comment: The p.Q41P variant (also known as c.122A>C), located in coding exon 1 of the ACD gene, results from an A to C substitution at nucleotide position 122. The glutamine at codon 41 is replaced by proline, an amino acid with similar properties. This amino acid position is conserved. In addition, this alteration is predicted to be tolerated by in silico analysis. Since supporting evidence is limited at this time, the clinical significance of this alteration remains unclear.